The following is an entry in ClinVar:

NM_004186.5(SEMA3F):c.1013A>C (p.Glu338Ala)

Gene: SEMA3F (semaphorin 3F; plus strand). Cytogenetic location: 3p21.31.
Variant type: single nucleotide variant.
Coding change: c.1013A>C on transcript NM_004186.5 (MANE Select); coding-DNA position 1013, A replaced by C.
Protein change: p.Glu338Ala; replaces glutamic acid 338 with alanine.
Molecular consequence: missense variant.
Genome position (GRCh38, 1-based): chr3:50,183,013, A>C. VCF-style: chr3-50183013-A-C. GRCh37 (hg19) VCF-style: chr3-50220446-A-C.
Other names: c.716A>C, p.Glu239Ala (NM_001318798.2); c.920A>C, p.Glu307Ala (NM_001318800.2); short protein forms E307A, E338A, E239A.
Identifiers: ClinVar variation 4992879 (VCV004992879.1).

ClinVar aggregate classification (germline): Uncertain significance (1 of 4 stars; one submission).

Conditions:
SEMA3F-related disorder. Also called: SEMA3F-related condition.

gnomAD v4.1: 1 of 1,612,814 alleles (0.000062%); highest among the groups gnomAD compares: Non-Finnish European, 0.000085%; no homozygotes.

Submission:

PreventionGenetics, part of Exact Sciences
Classification: Uncertain significance for SEMA3F-related condition. Last evaluated: 2025-09-11. Review status: criteria provided, single submitter. Criteria: ACMG Guidelines, 2015. Collection method: clinical testing. Allele origin: germline.
Comment: The SEMA3F c.1013A>C variant is predicted to result in the amino acid substitution p.Glu338Ala. To our knowledge, this variant has not been reported in the literature or in a large population database (gnomAD), indicating this variant is rare. At this time, the clinical significance of this variant is uncertain due to the absence of conclusive functional and genetic evidence.